The following is an entry in ClinVar:

NM_000642.3(AGL):c.3544_3551dup (p.Thr1185fs)

Gene: AGL (amylo-alpha-1,6-glucosidase and 4-alpha-glucanotransferase; plus strand). Cytogenetic location: 1p21.2.
Variant type: Duplication.
Coding change: c.3544_3551dup on transcript NM_000642.3 (MANE Select); coding-DNA positions 3544 to 3551, 8 bases duplicated (ATGTATCC; older notation c.3544_3551dupATGTATCC).
Protein change: p.Thr1185fs; shifts the reading frame from threonine 1185.
Molecular consequence: frameshift variant.
Genome position (GRCh38, 1-based): chr1:99,900,817-99,900,824, ATGTATCC duplicated. VCF-style (leftmost placement, unchanged base first): chr1-99900816-A-AATGTATCC. GRCh37 (hg19) VCF-style: chr1-100366372-A-AATGTATCC.
Other names: c.3544_3551dup, p.Thr1185Cysfs (NM_000028.3, NM_000643.3, NM_000644.3 and 1 more transcripts); c.3496_3503dup, p.Thr1169Cysfs (NM_000646.3); c.3523_3530dup, p.Thr1178Cysfs (NM_001425326.1); c.3343_3350dup, p.Thr1118Cysfs (NM_001425327.1); c.3340_3347dup, p.Thr1117Cysfs (NM_001425328.1); c.3205_3212dup, p.Thr1072Cysfs (NM_001425329.1); c.3166_3173dup, p.Thr1059Cysfs (NM_001425332.1); short protein forms T1185fs, T1169fs.
Identifiers: ClinVar variation 1453255 (VCV001453255.29), dbSNP rs770701389, ClinGen allele CA27539507.
Genomic context (GRCh38, chr1:99,900,816, plus strand): 5'-CCAGGATTACTGTAAAATGGTTCCAAATGGTCTAGACATTCTCAAGTGCCCAGTTTCCAG[A>AATGTATCC]ATGTATCCTACAGATGATTCTGCTCCTTTGCCTGCTGGCACACTGGTAAAGATATTTCTT-3'

ClinVar aggregate classification (germline): Pathogenic. Review status: criteria provided, multiple submitters, no conflicts (2 of 4 stars). 2 submissions from 2 submitters: Pathogenic (2). Last evaluated 2025-10-13.

Conditions:
Glycogen storage disease type III (GSD3). Also called: Cori disease; FORBES DISEASE. Identifiers: Orphanet 366, MedGen C0017922, MONDO:0009291, OMIM 232400.

Allele frequency attached by ClinVar (database versions not stated): gnomAD exomes below 0.00001.

Submissions (2):

Labcorp Genetics (formerly Invitae), Labcorp
Classification: Pathogenic for Glycogen storage disease type III. Last evaluated: 2025-10-13. Review status: criteria provided, single submitter. Criteria: Invitae Variant Classification Sherloc (09022015). Collection method: clinical testing. Allele origin: germline.
Comment: This sequence change creates a premature translational stop signal (p.Thr1185Cysfs*45) in the AGL gene. It is expected to result in an absent or disrupted protein product. Loss-of-function variants in AGL are known to be pathogenic (PMID: 19299494). This variant is present in population databases (rs770701389, gnomAD 0.0009%). This variant has not been reported in the literature in individuals affected with AGL-related conditions. ClinVar contains an entry for this variant (Variation ID: 1453255). Algorithms developed to predict the effect of sequence changes on RNA splicing suggest that this variant may disrupt the consensus splice site. For these reasons, this variant has been classified as Pathogenic.

CeGaT Center for Human Genetics Tuebingen
Classification: Pathogenic. Last evaluated: 2023-11-01. Review status: criteria provided, single submitter. Criteria: CeGaT Center For Human Genetics Tuebingen Variant Classification Criteria Version 2. Collection method: clinical testing. Allele origin: germline. Affected: yes. Observed: 1 variant allele.
Comment: AGL: PVS1, PM2

Literature cited by the submitters: PubMed 19299494 (cited by Labcorp Genetics (formerly Invitae), Labcorp).